The following is an entry in ClinVar:

ClinVar aggregate classification (germline): Likely benign (1 of 4 stars; one submission).

Conditions:
APBA2-related disorder. Also called: APBA2-related condition.

Submission:

PreventionGenetics, part of Exact Sciences
Classification: Likely benign for APBA2-related condition. Last evaluated: 2026-05-01. Review status: criteria provided, single submitter. Criteria: ACMG Guidelines, 2015. Collection method: clinical testing. Allele origin: germline.
Comment: This variant is classified as likely benign based on ACMG/AMP sequence variant interpretation guidelines (Richards et al. 2015 PMID: 25741868, with internal and published modifications).

NM_001353788.2(APBA2):c.2037+696C>T

Gene: APBA2 (amyloid beta precursor protein binding family A member 2; plus strand). Cytogenetic location: 15q13.1.
Variant type: single nucleotide variant.
Coding change: c.2037+696C>T on transcript NM_001353788.2 (MANE Select); 696 bases into the intron after coding-DNA position 2037, C replaced by T.
Molecular consequence: intron variant. On other transcripts: synonymous variant (1).
Genome position (GRCh38, 1-based): chr15:29,109,085, C>T. VCF-style: chr15-29109085-C-T. GRCh37 (hg19) VCF-style: chr15-29401288-C-T.
Other names: c.2091C>T, p.Gly697= (NM_001353795.2); c.2037+696C>T (NM_001379685.1, NM_001353790.2, NM_001353789.2 and 2 more transcripts); c.2001+696C>T (NM_001353792.2, NM_001130414.1, NM_001353793.2 and 1 more transcripts); c.1149+696C>T (NM_001353796.2); c.1113+696C>T (NM_001353797.2).
Identifiers: ClinVar variation 4985713 (VCV004985713.1).